The following is an entry in ClinVar:

ClinVar aggregate classification (germline): Uncertain significance. Review status: criteria provided, multiple submitters, no conflicts (2 of 4 stars). 2 submissions from 2 submitters: Uncertain significance (2). Last evaluated 2022-01-17.

Conditions:
Malignant tumor of urinary bladder. Also called: Urinary Bladder Neoplasms; Bladder cancer; Urinary bladder cancer. Identifiers: MedGen C0005684, MONDO:0001187, OMIM 109800.
Crouzon syndrome-acanthosis nigricans syndrome. Also called: CROUZONODERMOSKELETAL SYNDROME. Identifiers: Orphanet 93262, MedGen C2677099, MONDO:0012833, OMIM 612247.
Muenke syndrome (MNKES). Also called: MUENKE NONSYNDROMIC CORONAL CRANIOSYNOSTOSIS. Identifiers: Orphanet 53271, MedGen C1864436, MONDO:0011274, OMIM 602849.
Levy-Hollister syndrome (LADD). Also called: LADD syndrome. Identifiers: Orphanet 2363, MedGen C0265269, MONDO:0007872.
Cervical cancer. Also called: Cervix cancer; Cervical cancer, somatic; Cancer of cervix. Identifiers: MedGen C4048328, MONDO:0002974, OMIM 603956, HP:0030079.
Hypochondroplasia (HCH). Identifiers: Orphanet 429, MedGen C0410529, MONDO:0007793, OMIM 146000. Disease mechanism: gain of function.
Colorectal cancer. Also called: Colorectal cancer, somatic; Malignant Colorectal Neoplasm. Identifiers: MedGen C0346629, MONDO:0005575, OMIM 114500.
Achondroplasia (ACH). Also called: Achondroplastic dwarfism. Identifiers: Orphanet 15, MedGen C0001080, MONDO:0007037, OMIM 100800. Disease mechanism: gain of function.
Camptodactyly-tall stature-scoliosis-hearing loss syndrome. Also called: CATSHL SYNDROME. Identifiers: Orphanet 85164, MedGen C1864852, MONDO:0012504, OMIM 610474.
Thanatophoric dysplasia type 1 (TD1). Also called: PLATYSPONDYLIC LETHAL SKELETAL DYSPLASIA, SAN DIEGO TYPE; LETHAL SHORT-LIMBED PLATYSPONDYLIC DWARFISM, SAN DIEGO TYPE; Thanatophoric Dysplasia Type 1 (TD Type 1). Identifiers: Orphanet 1860, Orphanet 2655, MedGen C1868678, MONDO:0008546, OMIM 187600. Disease mechanism: gain of function.
Severe achondroplasia-developmental delay-acanthosis nigricans syndrome. Also called: Severe achondroplasia with developmental delay and acanthosis nigricans; SADDAN dysplasia. Identifiers: Orphanet 85165, MedGen C2674173, MONDO:0014658, OMIM 616482.
Germ cell tumor of testis (TGCT). Also called: GERM CELL TUMOR, SOMATIC; Testicular germ cell tumor. Identifiers: Orphanet 363504, MedGen C1336708, MONDO:0010108, OMIM 273300.
Epidermal nevus. Also called: NEVUS, KERATINOCYTIC, NONEPIDERMOLYTIC; Nevus, epidermal, somatic. Identifiers: Orphanet 79414, MedGen C0334082, MONDO:0008093, OMIM 162900, HP:0010816.
Thanatophoric dysplasia, type 2 (TD2). Also called: CLOVERLEAF SKULL WITH THANATOPHORIC DWARFISM; THANATOPHORIC DYSPLASIA WITH KLEEBLATTSCHAEDEL; THANATOPHORIC DYSPLASIA WITH STRAIGHT FEMURS AND CLOVERLEAF SKULL; Thanatophoric Dysplasia Type 2 (TD Type 2). Identifiers: Orphanet 2655, Orphanet 93274, MedGen C1300257, MONDO:0008547, OMIM 187601. Disease mechanism: gain of function.

Allele frequency attached by ClinVar (database versions not stated): gnomAD exomes below 0.00001.
gnomAD v4.1: 5 of 1,613,058 alleles (0.00031%); highest among the groups gnomAD compares: South Asian, 0.0022%; no homozygotes.

Submissions (2):

Fulgent Genetics
Classification: Uncertain significance for Achondroplasia; Malignant tumor of urinary bladder; Colorectal cancer; Hypochondroplasia; LADD syndrome 1; Epidermal nevus; Thanatophoric dysplasia type 1; Thanatophoric dysplasia, type 2; Germ cell tumor of testis; Muenke syndrome; Cervical cancer; Camptodactyly-tall stature-scoliosis-hearing loss syndrome; Crouzon syndrome-acanthosis nigricans syndrome; Severe achondroplasia-developmental delay-acanthosis nigricans syndrome. Last evaluated: 2022-01-17. Review status: criteria provided, single submitter. Criteria: ACMG Guidelines, 2015. Collection method: clinical testing. Allele origin: unknown.

Labcorp Genetics (formerly Invitae), Labcorp
Classification: Uncertain significance. Last evaluated: 2021-07-17. Review status: criteria provided, single submitter. Criteria: Invitae Variant Classification Sherloc (09022015). Collection method: clinical testing. Allele origin: germline.
Comment: This variant is not present in population databases (ExAC no frequency). This variant has not been reported in the literature in individuals affected with FGFR3-related conditions. Algorithms developed to predict the effect of missense changes on protein structure and function are either unavailable or do not agree on the potential impact of this missense change (SIFT: "Tolerated"; PolyPhen-2: "Probably Damaging"; Align-GVGD: "Class C0"). Algorithms developed to predict the effect of sequence changes on RNA splicing suggest that this variant may create or strengthen a splice site. In summary, the available evidence is currently insufficient to determine the role of this variant in disease. Therefore, it has been classified as a Variant of Uncertain Significance. This sequence change replaces lysine with arginine at codon 649 of the FGFR3 protein (p.Lys649Arg). The lysine residue is highly conserved and there is a small physicochemical difference between lysine and arginine.

NM_000142.5(FGFR3):c.1946A>G (p.Lys649Arg)

Gene: FGFR3 (fibroblast growth factor receptor 3; plus strand). Cytogenetic location: 4p16.3.
Variant type: single nucleotide variant.
Coding change: c.1946A>G on transcript NM_000142.5 (MANE Select); coding-DNA position 1946, A replaced by G.
Protein change: p.Lys649Arg; replaces lysine 649 with arginine.
Molecular consequence: missense variant. On other transcripts: non-coding transcript variant (1).
Genome position (GRCh38, 1-based): chr4:1,806,160, A>G. VCF-style: chr4-1806160-A-G. GRCh37 (hg19) VCF-style: chr4-1807887-A-G.
Other names: c.1952A>G, p.Lys651Arg (NM_001163213.2); c.1949A>G, p.Lys650Arg (NM_001354809.2, NM_001354810.2); c.1610A>G, p.Lys537Arg (NM_022965.4); short protein forms K537R, K649R, K650R, K651R.
Identifiers: ClinVar variation 1680111 (VCV001680111.9), dbSNP rs1448029825, ClinGen allele CA355982594.